The following is an entry in ClinVar:

NM_000432.4(MYL2):c.3+97C>T

Genes: MYL2 (myosin light chain 2; minus strand), LOC114827850 (VISTA enhancer hs2149; plus strand). Cytogenetic location: 12q24.11.
Variant type: single nucleotide variant.
Coding change: c.3+97C>T on transcript NM_000432.4 (MANE Select); 97 bases into the intron after coding-DNA position 3, C replaced by T.
Molecular consequence: intron variant.
Genome position (GRCh38, 1-based): chr12:110,920,430, G>A on the plus strand (C>T on the coding strand, the complement: MYL2 is on the minus strand). VCF-style: chr12-110920430-G-A. GRCh37 (hg19) VCF-style: chr12-111358234-G-A.
Identifiers: ClinVar variation 671319 (VCV000671319.2), dbSNP rs2233258, ClinGen allele CA243566658.

ClinVar aggregate classification (germline): Benign. Review status: criteria provided, multiple submitters, no conflicts (2 of 4 stars). 2 submissions from 2 submitters: Benign (2). Last evaluated 2018-06-19.

Allele frequency attached by ClinVar (database versions not stated): 1000 Genomes Project 0.02077; ESP Exome Variant Server 0.02190; 1000 Genomes Project 30x 0.02249; gnomAD 0.02346 and 0.02458; TOPMed 0.02346.
gnomAD v4.1: 20,635 of 1,577,862 alleles (1.3%); highest among the groups gnomAD compares: African/African-American, 5.3%; 238 homozygotes.

Submissions (2):

GeneDx
Classification: Benign. Last evaluated: 2018-06-19. Review status: criteria provided, single submitter. Criteria: GeneDx Variant Classification (06012015). Collection method: clinical testing. Allele origin: germline. Affected: yes.
Comment: This variant is considered likely benign or benign based on one or more of the following criteria: it is a conservative change, it occurs at a poorly conserved position in the protein, it is predicted to be benign by multiple in silico algorithms, and/or has population frequency not consistent with disease.

Breakthrough Genomics
Classification: Benign. Review status: criteria provided, single submitter. Criteria: ACMG Guidelines, 2015. Collection method: not provided. Allele origin: germline. Inheritance: Autosomal recessive inheritance. Affected: yes.